The following is an entry in ClinVar:

ClinVar aggregate classification (germline): Benign. Review status: criteria provided, multiple submitters, no conflicts (2 of 4 stars). 2 submissions from 2 submitters: Benign (2). Last evaluated 2018-06-19.

Allele frequency attached by ClinVar (database versions not stated): gnomAD exomes 0.35690; gnomAD 0.38707 and 0.39119; TOPMed 0.40159; 1000 Genomes Project 30x 0.44878; 1000 Genomes Project 0.45308.
gnomAD v4.1: 547,782 of 1,516,084 alleles (36%); highest among the groups gnomAD compares: East Asian, 62%; 102,224 homozygotes.

Submissions (2):

GeneDx
Classification: Benign. Last evaluated: 2018-06-19. Review status: criteria provided, single submitter. Criteria: GeneDx Variant Classification (06012015). Collection method: clinical testing. Allele origin: germline. Affected: yes.
Comment: This variant is considered likely benign or benign based on one or more of the following criteria: it is a conservative change, it occurs at a poorly conserved position in the protein, it is predicted to be benign by multiple in silico algorithms, and/or has population frequency not consistent with disease.

Breakthrough Genomics
Classification: Benign. Review status: criteria provided, single submitter. Criteria: ACMG Guidelines, 2015. Collection method: not provided. Allele origin: germline. Inheritance: Autosomal recessive inheritance. Affected: yes.

NM_000512.5(GALNS):c.759-90A>T

Gene: GALNS (galactosamine (N-acetyl)-6-sulfatase; minus strand). Cytogenetic location: 16q24.3.
Variant type: single nucleotide variant.
Coding change: c.759-90A>T on transcript NM_000512.5 (MANE Select); 90 bases into the intron before coding-DNA position 759, A replaced by T.
Molecular consequence: intron variant.
Genome position (GRCh38, 1-based): chr16:88,835,442, T>A on the plus strand (A>T on the coding strand, the complement: GALNS is on the minus strand). VCF-style: chr16-88835442-T-A. GRCh37 (hg19) VCF-style: chr16-88901850-T-A.
Other names: c.204-90A>T (NM_001323543.2); c.777-90A>T (NM_001323544.2).
Identifiers: ClinVar variation 684024 (VCV000684024.2), dbSNP rs11076721, ClinGen allele CA14258009.